The following is an entry in ClinVar:

NM_020738.4(KIDINS220):c.4241G>A (p.Ser1414Asn)

Gene: KIDINS220 (kinase D interacting substrate 220; minus strand). Cytogenetic location: 2p25.1.
Variant type: single nucleotide variant.
Coding change: c.4241G>A on transcript NM_020738.4 (MANE Select); coding-DNA position 4241, G replaced by A.
Protein change: p.Ser1414Asn; replaces serine 1414 with asparagine.
Molecular consequence: missense variant. On other transcripts: intron variant (6).
Genome position (GRCh38, 1-based): chr2:8,731,795, C>T on the plus strand (G>A on the coding strand, the complement: KIDINS220 is on the minus strand). VCF-style: chr2-8731795-C-T. GRCh37 (hg19) VCF-style: chr2-8871925-C-T.
Other names: c.4244G>A, p.Ser1415Asn (NM_001348729.2); c.4187G>A, p.Ser1396Asn (NM_001348731.2); c.4184G>A, p.Ser1395Asn (NM_001348732.2); c.4073G>A, p.Ser1358Asn (NM_001348734.2); c.4070G>A, p.Ser1357Asn (NM_001348735.2); c.3944G>A, p.Ser1315Asn (NM_001348736.2); c.3882+1649G>A (NM_001348741.2, NM_001348742.2, NM_001348743.2); c.3996+1649G>A (NM_001348738.2); and 1 more; short protein forms S1357N, S1396N, S1395N, S1415N, S1315N, S1358N, S1414N.
Identifiers: ClinVar variation 5001986 (VCV005001986.1).

ClinVar aggregate classification (germline): Uncertain significance (1 of 4 stars; one submission).

Conditions:
KIDINS220-related disorder. Also called: KIDINS220-related condition.

gnomAD v4.1: 8 of 1,614,052 alleles (0.0005%); highest among the groups gnomAD compares: South Asian, 0.0088%; no homozygotes.

Submission:

PreventionGenetics, part of Exact Sciences
Classification: Uncertain significance for KIDINS220-related condition. Last evaluated: 2025-05-17. Review status: criteria provided, single submitter. Criteria: ACMG Guidelines, 2015. Collection method: clinical testing. Allele origin: germline.
Comment: The KIDINS220 c.4241G>A variant is predicted to result in the amino acid substitution p.Ser1414Asn. To our knowledge, this variant has not been reported in the literature or in a large population database (gnomAD), indicating this variant is rare. At this time, the clinical significance of this variant is uncertain due to the absence of conclusive functional and genetic evidence.